The following is an entry in ClinVar:

ClinVar aggregate classification (germline): Uncertain significance (1 of 4 stars; one submission).

Conditions:
Progressive sclerosing poliodystrophy (MTDPS4A). Also called: ALPERS PROGRESSIVE INFANTILE POLIODYSTROPHY; NEURONAL DEGENERATION OF CHILDHOOD WITH LIVER DISEASE, PROGRESSIVE; Alpers Syndrome; ALPERS DIFFUSE DEGENERATION OF CEREBRAL GRAY MATTER WITH HEPATIC CIRRHOSIS; Alpers-Huttenlocher Syndrome; Mitochondrial DNA depletion syndrome 4A (Alpers type). Identifiers: Orphanet 726, MedGen C0205710, MONDO:0008758, OMIM 203700.

Submission:

Labcorp Genetics (formerly Invitae), Labcorp
Classification: Uncertain significance for Progressive sclerosing poliodystrophy. Last evaluated: 2024-07-09. Review status: criteria provided, single submitter. Criteria: Invitae Variant Classification Sherloc (09022015). Collection method: clinical testing. Allele origin: germline.
Comment: This sequence change replaces histidine, which is basic and polar, with tyrosine, which is neutral and polar, at codon 277 of the POLG protein (p.His277Tyr). This variant is not present in population databases (gnomAD no frequency). This variant has not been reported in the literature in individuals affected with POLG-related conditions. Advanced modeling of protein sequence and biophysical properties (such as structural, functional, and spatial information, amino acid conservation, physicochemical variation, residue mobility, and thermodynamic stability) performed at Invitae indicates that this missense variant is not expected to disrupt POLG protein function with a negative predictive value of 95%. This variant disrupts the p.His277 amino acid residue in POLG. Other variant(s) that disrupt this residue have been determined to be pathogenic (PMID: 18487244, 21301859, 22357363, 27987238). This suggests that this residue is clinically significant, and that variants that disrupt this residue are likely to be disease-causing. In summary, the available evidence is currently insufficient to determine the role of this variant in disease. Therefore, it has been classified as a Variant of Uncertain Significance.

Literature cited by the submitters: PubMed 18487244; PubMed 21301859; PubMed 22357363; PubMed 27987238.

NM_002693.3(POLG):c.829C>T (p.His277Tyr)

Gene: POLG (DNA polymerase gamma, catalytic subunit; minus strand). Cytogenetic location: 15q26.1.
Variant type: single nucleotide variant.
Coding change: c.829C>T on transcript NM_002693.3 (MANE Select); coding-DNA position 829, C replaced by T.
Protein change: p.His277Tyr; replaces histidine 277 with tyrosine.
Molecular consequence: missense variant.
Genome position (GRCh38, 1-based): chr15:89,330,107, G>A on the plus strand (C>T on the coding strand, the complement: POLG is on the minus strand). VCF-style: chr15-89330107-G-A. GRCh37 (hg19) VCF-style: chr15-89873338-G-A.
Other names: c.829C>T, p.His277Tyr (NM_001126131.2); short protein forms H277Y.
Identifiers: ClinVar variation 3685464 (VCV003685464.2).